The following continues an entry in ClinVar:

NM_000520.6(HEXA):c.805G>A (p.Gly269Ser)

Gene: HEXA. ClinVar aggregate classification (germline): Pathogenic/Likely pathogenic. Pathogenic (22); Likely pathogenic (1).

Submissions 14 to 26 of 26:

Victorian Clinical Genetics Services, Murdoch Childrens Research Institute
Classification: Pathogenic for Tay-Sachs disease. Last evaluated: 2022-03-31. Review status: criteria provided, single submitter. Criteria: ACMG Guidelines, 2015. Collection method: clinical testing. Allele origin: germline. Inheritance: Autosomal recessive inheritance. Affected: no.
Comment: Based on the classification scheme VCGS_Germline_v1.3.4, this variant is classified as Pathogenic. Following criteria are met: 0102 - Loss of function is a known mechanism of disease in this gene and is associated with Tay-Sachs disease (MIM#272800). (I) 0106 - This gene is associated with autosomal recessive disease. (I) 0200 - Variant is predicted to result in a missense amino acid change from glycine to serine. (I) 0251 - This variant is heterozygous. (I) 0304 - Variant is present in gnomAD <0.01 for a recessive condition (v2: 42 heterozygotes, 0 homozygotes). (SP) 0501 - Missense variant consistently predicted to be damaging by multiple in silico tools or highly conserved with a major amino acid change. Although this variant is located within the splice region and the nucleotide is highly conserved, in silico programs do not predict abberant splicing. (SP) 0600 - Variant is located in the annotated glycosyl hydrolase family 20, catalytic domain (DECIPHER). (I) 0801 - This variant has strong previous evidence of pathogenicity in unrelated individuals. It has been reported as pathogenic in ClinVar and in many individuals with the adult form of Tay-Sachs disease (PMIDs: 31076878, 27033294). (I) Legend: (SP) - Supporting pathogenic, (I) - Information, (SB) - Supporting benign

Institute of Medical Genetics and Applied Genomics, University Hospital Tübingen
Classification: Pathogenic. Last evaluated: 2020-10-23. Review status: criteria provided, single submitter. Criteria: ACMG Guidelines, 2015. Collection method: clinical testing. Allele origin: germline. Inheritance: Autosomal recessive inheritance. Affected: yes.

GeneDx
Classification: Pathogenic. Last evaluated: 2019-11-26. Review status: criteria provided, single submitter. Criteria: GeneDx Variant Classification Process June 2021. Collection method: clinical testing. Allele origin: germline. Affected: yes.
Comment: Common pathogenic variant in the Ashkenazi Jewish population and associated with adult-onset Tay-Sachs disease (Kaback et al., 2011); Functional analysis of G269S indicate that it forms a defective alpha-subunit which fails to associate with the beta-subunit thus resulting in significantly reduced beta-hexosaminidase activity (Paw et al., 1989; Navon et al., 1989; Ohno et al., 2008); In silico analysis, which includes protein predictors and evolutionary conservation, supports a deleterious effect; This variant is associated with the following publications: (PMID: 27033294, 21228398, 27351546, 2522679, 18490185, 22975760, 2522660, 31076878, 22006919, 27682588, 2278539)

Myriad Genetics, Inc.
Classification: Pathogenic for Tay-Sachs disease. Last evaluated: 2019-10-18. Review status: criteria provided, single submitter. Criteria: Myriad Women's Health Autosomal Recessive and X-Linked Classification Criteria (2019). Collection method: clinical testing. Allele origin: unknown.
Comment: NM_000520.4(HEXA):c.805G>A(G269S) is classified as pathogenic in the context of hexosaminidase A deficiency and is associated with the adult-onset form of disease. Sources cited for classification include the following: PMID 15714079, 22006919, 10852376, 8343225, 19815695, 8328462, 2278539, 2522660, and 2522679. Classification of NM_000520.4(HEXA):c.805G>A(G269S) is based on the following criteria: This is a well-established pathogenic variant in the literature that has been observed more frequently in patients with clinical diagnoses than in healthy populations. Please note: this variant was assessed in the context of healthy population screening.â€šÃ„Ã¶âˆšÃ‘âˆšÂ£

Division Of Personalized Genomic Medicine, Columbia University Irving Medical Center
Classification: Pathogenic for Tay-Sachs disease. Last evaluated: 2019-10-16. Review status: criteria provided, single submitter. Criteria: ACMG Guidelines, 2015. Collection method: clinical testing. Allele origin: germline. Inheritance: Autosomal recessive inheritance. Affected: yes. Observed: 1 homozygote.
Comment: The c.805G>A (p.Gly269Ser) variant in HEXA substitutes a conserved glycine residue to a serine at amino acid position 269. This variant localizes to coding exon 7 of the HEXA gene (14 coding exons in total; NM_000520.6). Functional studies showed decreased enzyme levels due to destabilization of the a-subunit at physiological temperatures affecting the alpha-beta dimerization (PMID: 8328462, 2522660, 2522679, 27682588). Protein modeling have shown that the mutation does not affect the active site which allows for some functionality, allowing for the later onset phenotype (PMID: 18490185). This variant is present in the Genome Aggregation Database (gnomAD) at an allele frequency of 42/282842 (no homozygotes), indicating it is not a common benign variant in the populations represented in this database. This variant has been reported in multiple late-onset patients as homozygous or compound heterozygous with another pathogenic variant (PMID: 2278539, 31076878 & 2522679), and is reported in ClinVar as pathogenic (Variation ID: 3898). Missense variants causing different amino acid substitution at the same position have also been reported as pathogenic (PMID: 27896118).

Centre for Mendelian Genomics, University Medical Centre Ljubljana
Classification: Likely pathogenic for Tay-Sachs disease. Last evaluated: 2019-08-29. Review status: criteria provided, single submitter. Criteria: ACMG Guidelines, 2015. Collection method: clinical testing. Allele origin: unknown. Affected: yes.
Comment: This variant was classified as: Likely pathogenic. The following ACMG criteria were applied in classifying this variant: PS1,PM2,PP3.

Fulgent Genetics
Classification: Pathogenic for Tay-Sachs disease. Last evaluated: 2018-10-31. Review status: criteria provided, single submitter. Criteria: ACMG Guidelines, 2015. Collection method: clinical testing. Allele origin: unknown.

Baylor Genetics
Classification: Pathogenic for Tay-Sachs disease. Last evaluated: 2018-05-16. Review status: criteria provided, single submitter. Criteria: ACMG Guidelines, 2015. Collection method: clinical testing. Allele origin: unknown. Affected: yes.
Comment: This variant was determined to be pathogenic according to ACMG Guidelines, 2015 [PMID:25741868]. This variant has been previously reported as pathogenic [PMID 2522679, 21228398, 27682588, 22975760, 18490185, 22006919]

Eurofins Ntd Llc (ga)
Classification: Pathogenic. Last evaluated: 2017-08-31. Review status: criteria provided, single submitter. Criteria: EGL Classification Definitions 2015. Collection method: clinical testing. Allele origin: germline. Observed: 6 variant alleles, 6 heterozygotes.

Women's Health and Genetics/Laboratory Corporation of America, LabCorp
Classification: Pathogenic for Tay-Sachs disease. Last evaluated: 2017-03-31. Review status: criteria provided, single submitter. Criteria: LabCorp Variant Classification Summary - May 2015. Collection method: clinical testing. Allele origin: germline.
Comment: Variant summary: The HEXA c.805G>A (p.Gly269Ser) variant involves the alteration of a conserved nucleotide and 4/5 in silico tools predict a damaging outcome. A functional study, Brown_1993, further supports these predictions. The variant of interest was observed in the large, broad control population, ExAC, with an allele frequency 12/121408 (1/10121), which does not exceed the estimated maximal expected allele frequency of a pathogenic HEXA variant of 1/715. Multiple publications have cited the variant in affected homozygote and compound heterozygote individuals, predominantly in Late-Onset TSD. In addition, multiple clinical diagnostic laboratories/reputable databases classified this variant as pathogenic. Taken together, this variant is classified as pathogenic.

Genetic Services Laboratory, University of Chicago
Classification: Pathogenic. Last evaluated: 2022-05-09. Review status: no assertion criteria provided. Collection method: clinical testing. Allele origin: germline. Affected: yes. Not counted in ClinVar's aggregate classification.
Comment: DNA sequence analysis of the HEXA gene demonstrated a sequence change, c.805G>A, in exon 7 that results in an amino acid change, p.Gly269Ser. The p.Gly269Ser change affects a highly conserved amino acid residue located in a domain of the HEXA protein that is known to be functional. In-silico pathogenicity prediction tools (SIFT, PolyPhen2, Align GVGD, REVEL) provide contradictory results for the p.Gly269Ser substitution. This pathogenic sequence change has previously been described in individuals with HEXA-related disorders and is the most common variant associated with late-onset Tay-Sachs disease (PMID: 27682588, 8328462, 15714079). This sequence change has been described in the gnomAD database with a frequency of 0.068% in the Ashkenazi Jewish subpopulation (dbSNP rs121907954). These collective evidences indicate that this sequence change is pathogenic. Bi-allelic pathogenic variants in the HEXA gene are associated with GM2-gangliosidosis or Tay-Sachs disease (OMIM# 272800), which is a progressive neurodegenerative disorder.

OMIM
Classification: Pathogenic for GM2-GANGLIOSIDOSIS, ADULT. Last evaluated: 2008-08-01. Review status: no assertion criteria provided. Collection method: literature only. Allele origin: germline. Not counted in ClinVar's aggregate classification.

Dr. Peter K. Rogan Lab, Western University
No classification provided (evidence only). Condition: Familial cancer of breast. Review status: no classification provided. Collection method: in vitro. Allele origin: not applicable. Functional consequence: skipped exon, retained intron. Not counted in ClinVar's aggregate classification.

Literature cited by the submitters: PubMed 2522679 (cited by 9 submitters); PubMed 20363167 (cited by Labcorp Genetics (formerly Invitae), Labcorp); PubMed 17576681 (cited by Labcorp Genetics (formerly Invitae), Labcorp); PubMed 9536098 (cited by Labcorp Genetics (formerly Invitae), Labcorp); PubMed 9150157 (cited by 3billion); PubMed 2278539 (cited by 5 submitters); PubMed 15714079 (cited by 4 submitters); PubMed 27682588 (cited by 3 submitters); PubMed 31076878 (cited by 4 submitters); PubMed 33751187 (cited by Ambry Genetics); PubMed 35848209 (cited by Ambry Genetics); PubMed 36709536 (cited by Ambry Genetics); PubMed 39039281 (cited by Ambry Genetics); PubMed 14724290 (cited by Natera, Inc.); PubMed 38112342 (cited by Mayo Clinic Laboratories, Mayo Clinic); PubMed 27033294 (cited by Victorian Clinical Genetics Services, Murdoch Childrens Research Institute); PubMed 22006919 (cited by Myriad Genetics, Inc. and Baylor Genetics); PubMed 10852376 (cited by Myriad Genetics, Inc.); PubMed 8343225 (cited by Myriad Genetics, Inc.); PubMed 19815695 (cited by Myriad Genetics, Inc.); PubMed 8328462 (cited by 3 submitters); PubMed 2522660 (cited by Myriad Genetics, Inc. and OMIM); PubMed 18490185 (cited by 3 submitters); PubMed 21228398 (cited by Baylor Genetics); PubMed 22975760 (cited by Baylor Genetics); PubMed 2145759 (cited by OMIM); Proia, R. L., Kolodny, E. H., Navon, R. Reply to Kappler et al. (Letter) Am. J. Hum. Genet. 47: 881-882, 1990. (cited by OMIM).